The following is an entry in ClinVar:

ClinVar aggregate classification (germline): Uncertain significance. Review status: criteria provided, multiple submitters, no conflicts (2 of 4 stars). 2 submissions from 2 submitters: Uncertain significance (2). Last evaluated 2025-10-06.

Conditions:
Plasminogen deficiency, type I. Also called: Type 1 plasminogen deficiency; Hypoplasminogenemia. Identifiers: Orphanet 722, MedGen C1968804, MONDO:0009009, OMIM 217090.
Angioedema, hereditary, 4. Identifiers: MedGen C5543503, MONDO:0025712, OMIM 619360.

gnomAD v4.1: 9 of 1,613,686 alleles (0.00056%); highest among the groups gnomAD compares: Non-Finnish European, 0.00068%; no homozygotes.

Submissions (2):

Labcorp Genetics (formerly Invitae), Labcorp
Classification: Uncertain significance. Last evaluated: 2025-10-06. Review status: criteria provided, single submitter. Criteria: Invitae Variant Classification Sherloc (09022015). Collection method: clinical testing. Allele origin: germline.
Comment: This sequence change replaces glycine, which is neutral and non-polar, with valine, which is neutral and non-polar, at codon 218 of the PLG protein (p.Gly218Val). This variant is present in population databases (rs778597933, gnomAD 0.004%). This missense change has been observed in individuals with plasminogen deficiency (PMID: 26340456). ClinVar contains an entry for this variant (Variation ID: 3593303). Invitae Evidence Modeling of protein sequence and biophysical properties (such as structural, functional, and spatial information, amino acid conservation, physicochemical variation, residue mobility, and thermodynamic stability) indicates that this missense variant is not expected to disrupt PLG protein function with a negative predictive value of 80%. In summary, the available evidence is currently insufficient to determine the role of this variant in disease. Therefore, it has been classified as a Variant of Uncertain Significance.

Fulgent Genetics
Classification: Uncertain significance for Plasminogen deficiency, type I; Angioedema, hereditary, 4. Last evaluated: 2024-05-13. Review status: criteria provided, single submitter. Criteria: ACMG Guidelines, 2015. Collection method: clinical testing. Allele origin: germline.

Literature cited by the submitters: PubMed 26340456 (cited by Labcorp Genetics (formerly Invitae), Labcorp).

NM_000301.5(PLG):c.653G>T (p.Gly218Val)

Gene: PLG (plasminogen; plus strand). Cytogenetic location: 6q26.
Variant type: single nucleotide variant.
Coding change: c.653G>T on transcript NM_000301.5 (MANE Select); coding-DNA position 653, G replaced by T.
Protein change: p.Gly218Val; replaces glycine 218 with valine.
Molecular consequence: missense variant.
Genome position (GRCh38, 1-based): chr6:160,714,899, G>T. VCF-style: chr6-160714899-G-T. GRCh37 (hg19) VCF-style: chr6-161135931-G-T.
Other names: short protein forms G218V.
Identifiers: ClinVar variation 3593303 (VCV003593303.3).